The following is an entry in ClinVar:

ClinVar aggregate classification (germline): Benign/Likely benign. Review status: criteria provided, multiple submitters, no conflicts (2 of 4 stars). 2 submissions from 2 submitters: Benign (1); Likely benign (1). Last evaluated 2026-01-15.

Conditions:
Autosomal dominant limb-girdle muscular dystrophy type 1G (LGMDD3). Also called: Limb-girdle muscular dystrophy, type 1G; MUSCULAR DYSTROPHY, LIMB-GIRDLE, AUTOSOMAL DOMINANT 3. Identifiers: Orphanet 55596, MedGen C1836765, MONDO:0012193, OMIM 609115.

Allele frequency attached by ClinVar (database versions not stated): 1000 Genomes Project 30x 0.00016; ExAC 0.00017; 1000 Genomes Project 0.00020; ESP Exome Variant Server 0.00041; TOPMed 0.00068.
gnomAD v4.1: 146 of 1,477,828 alleles (0.0099%); highest among the groups gnomAD compares: African/African-American, 0.18%; no homozygotes.

Submissions (2):

Labcorp Genetics (formerly Invitae), Labcorp
Classification: Likely benign for Autosomal dominant limb-girdle muscular dystrophy type 1G. Last evaluated: 2026-01-15. Review status: criteria provided, single submitter. Criteria: Invitae Variant Classification Sherloc (09022015). Collection method: clinical testing. Allele origin: germline.

CeGaT Center for Human Genetics Tuebingen
Classification: Benign. Last evaluated: 2022-07-01. Review status: criteria provided, single submitter. Criteria: CeGaT Center For Human Genetics Tuebingen Variant Classification Criteria Version 2. Collection method: clinical testing. Allele origin: germline. Affected: yes. Observed: 1 variant allele.
Comment: HNRNPDL: BS1, BS2

NM_031372.4(HNRNPDL):c.153G>A (p.Arg51=)

Gene: HNRNPDL (heterogeneous nuclear ribonucleoprotein D like; minus strand). Cytogenetic location: 4q21.22.
Variant type: single nucleotide variant.
Coding change: c.153G>A on transcript NM_031372.4 (MANE Select); coding-DNA position 153, G replaced by A.
Protein change: p.Arg51=; no amino-acid change (arginine 51 retained).
Molecular consequence: synonymous variant. On other transcripts: non-coding transcript variant (1).
Genome position (GRCh38, 1-based): chr4:82,429,538, C>T on the plus strand (G>A on the coding strand, the complement: HNRNPDL is on the minus strand). VCF-style: chr4-82429538-C-T. GRCh37 (hg19) VCF-style: chr4-83350691-C-T.
Other names: c.153G>A, p.Arg51= (NM_001207000.1).
Identifiers: ClinVar variation 464383 (VCV000464383.37), dbSNP rs370944367, ClinGen allele CA2985131.